The following is an entry in ClinVar:

ClinVar aggregate classification (germline): Likely pathogenic (1 of 4 stars; one submission).

Conditions:
Hereditary nonpolyposis colorectal neoplasms. Identifiers: MedGen C0009405, MeSH D003123.

Submission:

Labcorp Genetics (formerly Invitae), Labcorp
Classification: Likely pathogenic for Hereditary nonpolyposis colorectal neoplasms. Last evaluated: 2024-11-04. Review status: criteria provided, single submitter. Criteria: Invitae Variant Classification Sherloc (09022015). Collection method: clinical testing. Allele origin: germline.
Comment: This sequence change replaces arginine, which is basic and polar, with glycine, which is neutral and non-polar, at codon 1242 of the MSH6 protein (p.Arg1242Gly). This variant is not present in population databases (gnomAD no frequency). This variant has not been reported in the literature in individuals affected with MSH6-related conditions. ClinVar contains an entry for this variant (Variation ID: 455280). Invitae Evidence Modeling of protein sequence and biophysical properties (such as structural, functional, and spatial information, amino acid conservation, physicochemical variation, residue mobility, and thermodynamic stability) indicates that this missense variant is expected to disrupt MSH6 protein function with a positive predictive value of 80%. This variant disrupts the p.Arg1242 amino acid residue in MSH6. Other variant(s) that disrupt this residue have been determined to be pathogenic (PMID: 10612827, 17718861, 23729658, 24763289, 24933100, 28514183). This suggests that this residue is clinically significant, and that variants that disrupt this residue are likely to be disease-causing. In summary, the currently available evidence indicates that the variant is pathogenic, but additional data are needed to prove that conclusively. Therefore, this variant has been classified as Likely Pathogenic.

Literature cited by the submitters: PubMed 10612827; PubMed 17718861; PubMed 23729658; PubMed 24763289; PubMed 24933100; PubMed 28514183.

NM_000179.3(MSH6):c.3724C>G (p.Arg1242Gly)

Gene: MSH6 (mutS homolog 6; plus strand). Cytogenetic location: 2p16.3.
Variant type: single nucleotide variant.
Coding change: c.3724C>G on transcript NM_000179.3 (MANE Select); coding-DNA position 3724, C replaced by G.
Protein change: p.Arg1242Gly; replaces arginine 1242 with glycine.
Molecular consequence: missense variant.
Genome position (GRCh38, 1-based): chr2:47,806,281, C>G. VCF-style: chr2-47806281-C-G. GRCh37 (hg19) VCF-style: chr2-48033420-C-G.
Other names: c.3334C>G, p.Arg1112Gly (NM_001281492.2); c.2818C>G, p.Arg940Gly (NM_001281493.2, NM_001281494.2); short protein forms R1242G, R1112G, R940G.
Identifiers: ClinVar variation 455280 (VCV000455280.9), dbSNP rs587779285, ClinGen allele CA346761027.